The following is an entry in ClinVar:

ClinVar aggregate classification (germline): Uncertain significance (1 of 4 stars; one submission).

Submission:

GeneDx
Classification: Uncertain significance. Last evaluated: 2026-03-14. Review status: criteria provided, single submitter. Criteria: GeneDx Variant Classification Process June 2021. Collection method: clinical testing. Allele origin: germline.
Comment: Not observed at significant frequency in large population cohorts (gnomAD); In silico analysis supports that this missense variant has a deleterious effect on protein structure/function; Has not been previously published as pathogenic or benign to our knowledge

NM_030752.3(TCP1):c.314A>G (p.Asp105Gly)

Gene: TCP1 (t-complex 1; minus strand). Cytogenetic location: 6q25.3.
Variant type: single nucleotide variant.
Coding change: c.314A>G on transcript NM_030752.3 (MANE Select); coding-DNA position 314, A replaced by G.
Protein change: p.Asp105Gly; replaces aspartic acid 105 with glycine.
Molecular consequence: missense variant. On other transcripts: 5 prime UTR variant (1).
Genome position (GRCh38, 1-based): chr6:159,785,963, T>C on the plus strand (A>G on the coding strand, the complement: TCP1 is on the minus strand). VCF-style: chr6-159785963-T-C. GRCh37 (hg19) VCF-style: chr6-160206995-T-C.
Other names: c.-152A>G (NM_001008897.2); short protein forms D105G.
Identifiers: ClinVar variation 5009132 (VCV005009132.1).